The following is an entry in ClinVar:

ClinVar aggregate classification (germline): Likely benign. Review status: criteria provided, multiple submitters, no conflicts (2 of 4 stars). 2 submissions from 2 submitters: Likely benign (2). Last evaluated 2024-09-05.

Conditions:
Familial cancer of breast. Also called: Hereditary breast cancer; BREAST CANCER, FAMILIAL; hereditary breast carcinoma. Identifiers: Orphanet 227535, MedGen C0346153, MONDO:0016419, OMIM 114480. Disease mechanism: loss of function.
Fanconi anemia complementation group J. Also called: BRIP1-Related Fanconi Anemia. Identifiers: Orphanet 84, MedGen C1836860, MONDO:0012187, OMIM 609054.

Submissions (2):

Myriad Genetics, Inc.
Classification: Likely benign for Familial cancer of breast. Last evaluated: 2024-09-05. Review status: criteria provided, single submitter. Criteria: Myriad Autosomal Dominant, Autosomal Recessive and X-Linked Classification Criteria (2023). Collection method: clinical testing. Allele origin: unknown.
Comment: This variant is considered likely benign. This variant is intronic and is not expected to impact mRNA splicing.

Labcorp Genetics (formerly Invitae), Labcorp
Classification: Likely benign for Familial cancer of breast; Fanconi anemia complementation group J. Last evaluated: 2019-11-25. Review status: criteria provided, single submitter. Criteria: Invitae Variant Classification Sherloc (09022015). Collection method: clinical testing. Allele origin: germline.

NM_032043.3(BRIP1):c.2493-10T>C

Gene: BRIP1 (BRCA1 interacting DNA helicase 1; minus strand). Cytogenetic location: 17q23.2.
Variant type: single nucleotide variant.
Coding change: c.2493-10T>C on transcript NM_032043.3 (MANE Select); 10 bases into the intron before coding-DNA position 2493, T replaced by C.
Molecular consequence: intron variant.
Genome position (GRCh38, 1-based): chr17:61,693,522, A>G on the plus strand (T>C on the coding strand, the complement: BRIP1 is on the minus strand). VCF-style: chr17-61693522-A-G. GRCh37 (hg19) VCF-style: chr17-59770883-A-G.
Identifiers: ClinVar variation 1123094 (VCV001123094.11), dbSNP rs776255327, ClinGen allele CA2499224785.